The following is an entry in ClinVar:

ClinVar aggregate classification (germline): Likely pathogenic (1 of 4 stars; one submission).

Conditions:
Hereditary cancer-predisposing syndrome. Also called: Neoplastic Syndromes, Hereditary; Tumor predisposition; Hereditary neoplastic syndrome; Hereditary Cancer Syndrome. Identifiers: Orphanet 140162, MedGen C0027672, MeSH D009386, MONDO:0015356.

Submission:

Ambry Genetics
Classification: Likely pathogenic for Hereditary cancer-predisposing syndrome. Last evaluated: 2023-10-18. Review status: criteria provided, single submitter. Criteria: Ambry Variant Classification Scheme 2023. Collection method: clinical testing. Allele origin: germline.
Comment: The c.619_627+320del329insAT variant results from a deletion of 329 nucleotides and insertion of 2 nucleotides at positions c.619 to c.627+320 and involves the canonical splice donor site after coding exon 3 of the MSH6 gene. The canonical splice donor site is well conserved in available vertebrate species. In silico splice site analysis predicts that this alteration will weaken the native splice donor site; however, direct evidence is insufficient at this time (Ambry internal data). This variant is considered to be rare based on population cohorts in the Genome Aggregation Database (gnomAD). Alterations that disrupt the canonical splice site are expected to cause aberrant splicing, resulting in an abnormal protein or a transcript that is subject to nonsense-mediated mRNA decay. As such, this alteration is classified as likely pathogenic.

NM_000179.3(MSH6):c.619_627+320delinsAT

Gene: MSH6 (mutS homolog 6; plus strand). Cytogenetic location: 2p16.3.
Variant type: Indel.
Coding change: c.619_627+320delinsAT on transcript NM_000179.3 (MANE Select); coding-DNA position 619 through 320 bases into the intron after coding-DNA position 627, the reference bases replaced by AT.
Molecular consequence: splice donor variant. On other transcripts: intron variant (8).
Genome position (GRCh38, 1-based): chr2:47,796,055-47,796,383, 329 bases replaced. GRCh37 (hg19): chr2:48,023,194-48,023,522.
Other names: c.619_627+320delinsAT (NM_001406809.1, NM_001406796.1, NM_001406808.1 and 5 more transcripts); c.-279-2556_-279-2228delinsAT (NM_001406811.1, NM_001281493.2, NM_001406812.1 and 4 more transcripts); c.322_330+320delinsAT (NM_001406805.1, NM_001406797.1, NM_001406801.1 and 10 more transcripts); c.715_723+320delinsAT (NM_001406795.1, NM_001406802.1); c.625_633+320delinsAT (NM_001406813.1); c.94_102+320delinsAT (NM_001406807.1, NM_001406799.1, NM_001406806.1); c.-376_-368+320delinsAT (NM_001406814.1); c.541_549+320delinsAT (NM_001406804.1); and 3 more.
Identifiers: ClinVar variation 3230586 (VCV003230586.1), dbSNP rs2530524372, ClinGen allele CA2825001106.